The following is an entry in ClinVar:

NM_000091.5(COL4A3):c.1115-14T>G

Genes: COL4A3 (collagen type IV alpha 3 chain; plus strand), MFF-DT (MFF divergent transcript; minus strand). Cytogenetic location: 2q36.3.
Variant type: single nucleotide variant.
Coding change: c.1115-14T>G on transcript NM_000091.5 (MANE Select); 14 bases into the intron before coding-DNA position 1115, T replaced by G.
Molecular consequence: intron variant.
Genome position (GRCh38, 1-based): chr2:227,261,068, T>G. VCF-style: chr2-227261068-T-G. GRCh37 (hg19) VCF-style: chr2-228125784-T-G.
Identifiers: ClinVar variation 4749481 (VCV004749481.1).

ClinVar aggregate classification (germline): Uncertain significance (1 of 4 stars; one submission).

gnomAD v4.1: 8 of 1,606,600 alleles (0.0005%); highest among the groups gnomAD compares: Non-Finnish European, 0.00068%; no homozygotes.

Submission:

Labcorp Genetics (formerly Invitae), Labcorp
Classification: Uncertain significance. Last evaluated: 2025-06-22. Review status: criteria provided, single submitter. Criteria: Invitae Variant Classification Sherloc (09022015). Collection method: clinical testing. Allele origin: germline.
Comment: This sequence change falls in intron 19 of the COL4A3 gene. It does not directly change the encoded amino acid sequence of the COL4A3 protein. This variant is present in population databases (no rsID available, gnomAD 0.002%). This variant has not been reported in the literature in individuals affected with COL4A3-related conditions. Algorithms developed to predict the effect of sequence changes on RNA splicing suggest that this variant may disrupt the consensus splice site. In summary, the available evidence is currently insufficient to determine the role of this variant in disease. Therefore, it has been classified as a Variant of Uncertain Significance.